The following is an entry in ClinVar:

ClinVar aggregate classification (germline): Likely benign (1 of 4 stars; one submission).

Conditions:
Hereditary breast ovarian cancer syndrome. Also called: Hereditary breast and ovarian cancer; Hereditary breast and ovarian cancer syndrome (HBOC); Breast and ovarian cancer; Hereditary breast and/or ovarian cancer syndrome; BRCA1- and BRCA2-Associated Hereditary Breast and Ovarian Cancer; Hereditary breast and ovarian cancer syndrome. Identifiers: Orphanet 145, MedGen C0677776, MeSH D061325, MONDO:0003582. Disease mechanism: loss of function.

Submissions (2):

Labcorp Genetics (formerly Invitae), Labcorp
Classification: Likely benign for Hereditary breast ovarian cancer syndrome. Last evaluated: 2023-06-23. Review status: criteria provided, single submitter. Criteria: Invitae Variant Classification Sherloc (09022015). Collection method: clinical testing. Allele origin: germline.

Brotman Baty Institute, University of Washington
No classification provided (evidence only). Condition: Breast-ovarian cancer, familial 1. Review status: no classification provided. Collection method: in vitro. Allele origin: not applicable. Functional consequence: functionally_normal. Not counted in ClinVar's aggregate classification.
ClinVar note: "not provided" was previously submitted as the classification for the variant. However, the classification appeared to be based only on an observation of functional data so it was converted to no classification on 2025-07-30.

NM_007294.4(BRCA1):c.12T>C (p.Ser4=)

Gene: BRCA1 (BRCA1 DNA repair associated; minus strand). Cytogenetic location: 17q21.31.
Variant type: single nucleotide variant.
Coding change: c.12T>C on transcript NM_007294.4 (MANE Select); coding-DNA position 12, T replaced by C.
Protein change: p.Ser4=; no amino-acid change (serine 4 retained).
Molecular consequence: synonymous variant. On other transcripts: 5 prime UTR variant (136), intron variant (36).
Genome position (GRCh38, 1-based): chr17:43,124,085, A>G on the plus strand (T>C on the coding strand, the complement: BRCA1 is on the minus strand). VCF-style: chr17-43124085-A-G. GRCh37 (hg19) VCF-style: chr17-41276102-A-G.
Other names: c.-177T>C (NM_001407571.1, NM_001407853.1, NM_001407879.1 and 46 more transcripts); c.12T>C, p.Ser4= (NM_001407581.1, NM_001407582.1, NM_001407583.1 and 193 more transcripts); c.-246T>C (NM_001407694.1, NM_001407724.1, NM_001407727.1 and 11 more transcripts); c.-250T>C (NM_001407695.1, NM_001408465.1); c.-391T>C (NM_001407696.1); c.-275T>C (NM_001407697.1, NM_001407846.1, NM_001407920.1); c.-76T>C (NM_001407698.1, NM_001407732.1, NM_001407736.1 and 23 more transcripts); c.-249T>C (NM_001407725.1, NM_001407730.1, NM_001407734.1 and 22 more transcripts); and 23 more.
Identifiers: ClinVar variation 867679 (VCV000867679.6), dbSNP rs2055743331, ClinGen allele CA500131492.
Genomic context (GRCh38, chr17:43,124,085, plus strand): 5'-ACACTCTAAGATTTTCTGCATAGCATTAATGACATTTTGTACTTCTTCAACGCGAAGAGC[A>G]GATAAATCCATTTCTTTCTGTTCCAATGAACTTTAACACATTAGAAAAACATATATATAT-3'
Protein context (NP_009225.1, residues 1-14): MDL[Ser4=]ALRVEEVQNV